The following is an entry in ClinVar:

NM_170707.4(LMNA):c.766G>A (p.Val256Met)

Gene: LMNA (lamin A/C; plus strand). Cytogenetic location: 1q22.
Variant type: single nucleotide variant.
Coding change: c.766G>A on transcript NM_170707.4 (MANE Select); coding-DNA position 766, G replaced by A.
Protein change: p.Val256Met; replaces valine 256 with methionine.
Molecular consequence: missense variant. On other transcripts: synonymous variant (4).
Genome position (GRCh38, 1-based): chr1:156,134,931, G>A. VCF-style: chr1-156134931-G-A. GRCh37 (hg19) VCF-style: chr1-156104722-G-A.
Other names: p.Val256Met; c.430G>A, p.Val144Met (NM_001257374.3, NM_001406989.1, NM_001406998.1); c.523G>A, p.Val175Met (NM_001282624.2, NM_001406986.1, NM_001406987.1); c.766G>A, p.Val256Met (NM_001282625.2, NM_001282626.2, NM_001406983.1 and 6 more transcripts); c.469G>A, p.Val157Met (NM_001406988.1); c.208G>A, p.Val70Met (NM_001406990.1, NM_001406993.1, NM_001406995.1 and 4 more transcripts); c.102G>A, p.Arg34= (NM_001406994.1, NM_001406999.1, NM_001407000.1 and 1 more transcripts); short protein forms V144M, V157M, V175M, V256M, V70M.
Identifiers: ClinVar variation 3379957 (VCV003379957.1).
Genomic context (GRCh38, chr1:156,134,931, plus strand): 5'-GAGTTTGAGAGCCGGCTGGCGGATGCGCTGCAGGAACTGCGGGCCCAGCATGAGGACCAG[G>A]TGGAGCAGTATAAGAAGGAGCTGGAGAAGACTTATTCTGCCAAGGTGCTTGCTCTCGATT-3'
Protein context (NP_733821.1, residues 246-266): QELRAQHEDQ[Val256Met]EQYKKELEKT

ClinVar aggregate classification (germline): Uncertain significance (1 of 4 stars; one submission).

gnomAD v4.1: 3 of 1,614,252 alleles (0.00019%); highest among the groups gnomAD compares: Non-Finnish European, 0.00025%; no homozygotes.

Submission:

Mayo Clinic Laboratories, Mayo Clinic
Classification: Uncertain significance. Last evaluated: 2023-10-16. Review status: criteria provided, single submitter. Criteria: ACMG Guidelines, 2015. Collection method: clinical testing. Allele origin: germline. Observed: 1 variant allele.
Comment: PM1, PM2_moderate